The following is an entry in ClinVar:

ClinVar aggregate classification (germline): Uncertain significance (1 of 4 stars; one submission).

Submission:

Labcorp Genetics (formerly Invitae), Labcorp
Classification: Uncertain significance. Last evaluated: 2025-03-22. Review status: criteria provided, single submitter. Criteria: Invitae Variant Classification Sherloc (09022015). Collection method: clinical testing. Allele origin: germline.
Comment: This sequence change replaces methionine, which is neutral and non-polar, with isoleucine, which is neutral and non-polar, at codon 547 of the RIPK1 protein (p.Met547Ile). This variant is not present in population databases (gnomAD no frequency). This variant has not been reported in the literature in individuals affected with RIPK1-related conditions. An algorithm developed to predict the effect of missense changes on protein structure and function (PolyPhen-2) suggests that this variant is likely to be disruptive. In summary, the available evidence is currently insufficient to determine the role of this variant in disease. Therefore, it has been classified as a Variant of Uncertain Significance.

NM_001354930.2(RIPK1):c.1641G>T (p.Met547Ile)

Gene: RIPK1 (receptor interacting serine/threonine kinase 1; plus strand). Cytogenetic location: 6p25.2.
Variant type: single nucleotide variant.
Coding change: c.1641G>T on transcript NM_001354930.2 (MANE Select); coding-DNA position 1641, G replaced by T.
Protein change: p.Met547Ile; replaces methionine 547 with isoleucine.
Molecular consequence: missense variant.
Genome position (GRCh38, 1-based): chr6:3,110,867, G>T. VCF-style: chr6-3110867-G-T. GRCh37 (hg19) VCF-style: chr6-3111101-G-T.
Other names: c.1152G>T, p.Met384Ile (NM_001317061.3, NM_001354932.2, NM_001354933.2 and 1 more transcripts); c.1503G>T, p.Met501Ile (NM_001354931.2); c.1641G>T, p.Met547Ile (NM_003804.6); short protein forms M384I, M547I, M501I.
Identifiers: ClinVar variation 4715221 (VCV004715221.1).
Genomic context (GRCh38, chr6:3,110,867, plus strand): 5'-ATCTATAAAATATACCATATACAATAGTACTGGCATTCAGATTGGAGCCTACAATTATAT[G>T]GAGATTGGTGGGACGAGTTCATCACTACTAGACAGCACAAATACGAACTTCAAAGAAGAG-3'
Protein context (NP_001341859.1, residues 537-557): TGIQIGAYNY[Met547Ile]EIGGTSSSLL